The following is an entry in ClinVar:

ClinVar aggregate classification (germline): Uncertain significance (1 of 4 stars; one submission).

Conditions:
Developmental and epileptic encephalopathy, 12 (DEE12). Identifiers: MedGen C3150988, MONDO:0013389, OMIM 613722.

Allele frequency attached by ClinVar (database versions not stated): gnomAD exomes below 0.00001; ExAC 0.00001; ESP Exome Variant Server 0.00008.

Submission:

Labcorp Genetics (formerly Invitae), Labcorp
Classification: Uncertain significance for Developmental and epileptic encephalopathy, 12. Last evaluated: 2022-03-23. Review status: criteria provided, single submitter. Criteria: Invitae Variant Classification Sherloc (09022015). Collection method: clinical testing. Allele origin: germline.
Comment: This sequence change replaces leucine, which is neutral and non-polar, with valine, which is neutral and non-polar, at codon 933 of the PLCB1 protein (p.Leu933Val). This variant is present in population databases (rs143664316, gnomAD 0.007%). This variant has not been reported in the literature in individuals affected with PLCB1-related conditions. ClinVar contains an entry for this variant (Variation ID: 857546). Algorithms developed to predict the effect of missense changes on protein structure and function are either unavailable or do not agree on the potential impact of this missense change (SIFT: "Deleterious"; PolyPhen-2: "Possibly Damaging"; Align-GVGD: "Class C0"). In summary, the available evidence is currently insufficient to determine the role of this variant in disease. Therefore, it has been classified as a Variant of Uncertain Significance.

NM_015192.4(PLCB1):c.2797C>G (p.Leu933Val)

Gene: PLCB1 (phospholipase C beta 1; plus strand). Cytogenetic location: 20p12.3.
Variant type: single nucleotide variant.
Coding change: c.2797C>G on transcript NM_015192.4 (MANE Select); coding-DNA position 2797, C replaced by G.
Protein change: p.Leu933Val; replaces leucine 933 with valine.
Molecular consequence: missense variant.
Genome position (GRCh38, 1-based): chr20:8,765,225, C>G. VCF-style: chr20-8765225-C-G. GRCh37 (hg19) VCF-style: chr20-8745872-C-G.
Other names: c.2797C>G, p.Leu933Val (NM_182734.3); short protein forms L933V.
Identifiers: ClinVar variation 857546 (VCV000857546.7), dbSNP rs143664316, ClinGen allele CA9760384.